The following is an entry in ClinVar:

ClinVar aggregate classification (germline): Uncertain significance (1 of 4 stars; one submission).

Allele frequency attached by ClinVar (database versions not stated): gnomAD 0.00001; gnomAD exomes 0.00002 and 0.00005; TOPMed 0.00003; ExAC 0.00004.
gnomAD v4.1: 14 of 1,566,586 alleles (0.00089%); highest among the groups gnomAD compares: Admixed American, 0.028%; no homozygotes.

Submission:

Labcorp Genetics (formerly Invitae), Labcorp
Classification: Uncertain significance. Last evaluated: 2024-11-05. Review status: criteria provided, single submitter. Criteria: Invitae Variant Classification Sherloc (09022015). Collection method: clinical testing. Allele origin: germline.
Comment: This sequence change replaces serine, which is neutral and polar, with cysteine, which is neutral and slightly polar, at codon 2822 of the CPLANE1 protein (p.Ser2822Cys). This variant is present in population databases (rs763705214, gnomAD 0.05%). This variant has not been reported in the literature in individuals affected with CPLANE1-related conditions. ClinVar contains an entry for this variant (Variation ID: 1429213). Invitae Evidence Modeling of protein sequence and biophysical properties (such as structural, functional, and spatial information, amino acid conservation, physicochemical variation, residue mobility, and thermodynamic stability) indicates that this missense variant is not expected to disrupt CPLANE1 protein function with a negative predictive value of 95%. In summary, the available evidence is currently insufficient to determine the role of this variant in disease. Therefore, it has been classified as a Variant of Uncertain Significance.

NM_001384732.1(CPLANE1):c.8627C>G (p.Ser2876Cys)

Gene: CPLANE1 (ciliogenesis and planar polarity effector complex subunit 1; minus strand). Cytogenetic location: 5p13.2.
Variant type: single nucleotide variant.
Coding change: c.8627C>G on transcript NM_001384732.1 (MANE Select); coding-DNA position 8627, C replaced by G.
Protein change: p.Ser2876Cys; replaces serine 2876 with cysteine.
Molecular consequence: missense variant.
Genome position (GRCh38, 1-based): chr5:37,142,315, G>C on the plus strand (C>G on the coding strand, the complement: CPLANE1 is on the minus strand). VCF-style: chr5-37142315-G-C. GRCh37 (hg19) VCF-style: chr5-37142417-G-C.
Other names: c.8465C>G, p.Ser2822Cys (NM_023073.4); short protein forms S2822C, S2876C.
Identifiers: ClinVar variation 1429213 (VCV001429213.4), dbSNP rs763705214, ClinGen allele CA3237737.